The following is an entry in ClinVar:

NM_006031.6(PCNT):c.3109G>A (p.Glu1037Lys)

Gene: PCNT (pericentrin; plus strand). Cytogenetic location: 21q22.3.
Variant type: single nucleotide variant.
Coding change: c.3109G>A on transcript NM_006031.6 (MANE Select); coding-DNA position 3109, G replaced by A.
Protein change: p.Glu1037Lys; replaces glutamic acid 1037 with lysine.
Molecular consequence: missense variant.
Genome position (GRCh38, 1-based): chr21:46,367,083, G>A. VCF-style: chr21-46367083-G-A. GRCh37 (hg19) VCF-style: chr21-47786998-G-A.
Other names: c.2755G>A, p.Glu919Lys (NM_001315529.2); short protein forms E1037K, E919K.
Identifiers: ClinVar variation 3053914 (VCV003053914.4), dbSNP rs119479063, ClinGen allele CA10079174.

ClinVar aggregate classification (germline): Uncertain significance. Review status: criteria provided, single submitter (1 of 4 stars). 2 submissions from 2 submitters: Uncertain significance (1). 1 of the submissions does not count toward it. Last evaluated 2024-06-13.

Conditions:
PCNT-related disorder. Also called: PCNT-related condition.

Allele frequency attached by ClinVar (database versions not stated): ExAC 0.00002; gnomAD 0.00006; TOPMed 0.00008.
gnomAD v4.1: 25 of 1,613,692 alleles (0.0015%); highest among the groups gnomAD compares: African/African-American, 0.017%; no homozygotes.

Submissions (2):

Labcorp Genetics (formerly Invitae), Labcorp
Classification: Uncertain significance. Last evaluated: 2024-06-13. Review status: criteria provided, single submitter. Criteria: Invitae Variant Classification Sherloc (09022015). Collection method: clinical testing. Allele origin: germline.
Comment: This sequence change replaces glutamic acid, which is acidic and polar, with lysine, which is basic and polar, at codon 1037 of the PCNT protein (p.Glu1037Lys). This variant is present in population databases (rs119479063, gnomAD 0.02%). This variant has not been reported in the literature in individuals affected with PCNT-related conditions. Algorithms developed to predict the effect of missense changes on protein structure and function output the following: SIFT: "Not Available"; PolyPhen-2: "Benign"; Align-GVGD: "Not Available". The lysine amino acid residue is found in multiple mammalian species, which suggests that this missense change does not adversely affect protein function. In summary, the available evidence is currently insufficient to determine the role of this variant in disease. Therefore, it has been classified as a Variant of Uncertain Significance.

PreventionGenetics, part of Exact Sciences
Classification: Uncertain significance for PCNT-related condition. Last evaluated: 2024-02-13. Review status: no assertion criteria provided. Collection method: clinical testing. Allele origin: germline. Not counted in ClinVar's aggregate classification.
Comment: The PCNT c.3109G>A variant is predicted to result in the amino acid substitution p.Glu1037Lys. To our knowledge, this variant has not been reported in the literature. This variant is reported in 0.016% of alleles in individuals of African descent in gnomAD. At this time, the clinical significance of this variant is uncertain due to the absence of conclusive functional and genetic evidence.